The following is an entry in ClinVar:

ClinVar aggregate classification (germline): Likely benign. Review status: criteria provided, multiple submitters, no conflicts (2 of 4 stars). 3 submissions from 3 submitters: Likely benign (3). Last evaluated 2023-04-27.

Conditions:
Cardiomyopathy (CMYO). Also called: Cardiomyopathies. Identifiers: Orphanet 167848, MedGen C0878544, MONDO:0004994, HP:0001638. Inheritance: Various modes of inheritance.
Catecholaminergic polymorphic ventricular tachycardia (CVPT). Also called: Catecholamine-induced polymorphic ventricular tachycardia. Identifiers: Orphanet 3286, MedGen C5574922, MONDO:0017990.

Submissions (3):

All of Us Research Program, National Institutes of Health
Classification: Likely benign for Catecholaminergic polymorphic ventricular tachycardia. Last evaluated: 2023-04-27. Review status: criteria provided, single submitter. Criteria: ACMG Guidelines, 2015. Collection method: clinical testing. Allele origin: germline. Inheritance: Autosomal dominant inheritance. Observed: 1 variant allele, 1 heterozygote.
Comment: This study involves interpretation of variants in research participants for the purpose of population health screening. Participant phenotype was not available at the time of variant classification. Additional details can be found in publication PMID: 35346344, PMCID: PMC8962531

Color Diagnostics, LLC DBA Color Health
Classification: Likely benign for Cardiomyopathy. Last evaluated: 2019-12-09. Review status: criteria provided, single submitter. Criteria: ACMG Guidelines, 2015. Collection method: clinical testing. Allele origin: germline.

GeneDx
Classification: Likely benign. Last evaluated: 2017-09-08. Review status: criteria provided, single submitter. Criteria: GeneDx Variant Classification (06012015). Collection method: clinical testing. Allele origin: germline. Affected: yes.
Comment: This variant is considered likely benign or benign based on one or more of the following criteria: it is a conservative change, it occurs at a poorly conserved position in the protein, it is predicted to be benign by multiple in silico algorithms, and/or has population frequency not consistent with disease.

NM_001035.3(RYR2):c.5871C>A (p.Leu1957=)

Gene: RYR2 (ryanodine receptor 2; plus strand). Cytogenetic location: 1q43.
Variant type: single nucleotide variant.
Coding change: c.5871C>A on transcript NM_001035.3 (MANE Select); coding-DNA position 5871, C replaced by A.
Protein change: p.Leu1957=; no amino-acid change (leucine 1957 retained).
Molecular consequence: synonymous variant.
Genome position (GRCh38, 1-based): chr1:237,617,441, C>A. VCF-style: chr1-237617441-C-A. GRCh37 (hg19) VCF-style: chr1-237780741-C-A.
Other names: c.5871C>A, p.Leu1957= (LRG_402t1).
Identifiers: ClinVar variation 511946 (VCV000511946.4), dbSNP rs905975703, ClinGen allele CA39833790.